The following is an entry in ClinVar:

ClinVar aggregate classification (germline): Likely benign (1 of 4 stars; one submission).

Conditions:
SH2B1-related disorder. Also called: SH2B1-related condition.

gnomAD v4.1: 22 of 1,611,130 alleles (0.0014%); highest among the groups gnomAD compares: East Asian, 0.0022%; no homozygotes.

Submission:

PreventionGenetics, part of Exact Sciences
Classification: Likely benign for SH2B1-related condition. Last evaluated: 2024-10-03. Review status: criteria provided, single submitter. Criteria: ACMG Guidelines, 2015. Collection method: clinical testing. Allele origin: germline.
Comment: This variant is classified as likely benign based on ACMG/AMP sequence variant interpretation guidelines (Richards et al. 2015 PMID: 25741868, with internal and published modifications).

NM_001387430.1(SH2B1):c.159C>G (p.Pro53=)

Gene: SH2B1 (SH2B adaptor protein 1; plus strand). Cytogenetic location: 16p11.2.
Variant type: single nucleotide variant.
Coding change: c.159C>G on transcript NM_001387430.1 (MANE Select); coding-DNA position 159, C replaced by G.
Protein change: p.Pro53=; no amino-acid change (proline 53 retained).
Molecular consequence: synonymous variant. On other transcripts: intron variant (1).
Genome position (GRCh38, 1-based): chr16:28,866,253, C>G. VCF-style: chr16-28866253-C-G. GRCh37 (hg19) VCF-style: chr16-28877574-C-G.
Other names: c.159C>G, p.Pro53= (NM_001145795.2, NM_001145796.2, NM_001145797.2 and 4 more transcripts); c.-26-1121C>G (NM_001308294.2).
Identifiers: ClinVar variation 4990249 (VCV004990249.1).